The following is an entry in ClinVar:

NM_004380.3(CREBBP):c.4648_4660del (p.Glu1550fs)

Gene: CREBBP (CREB binding lysine acetyltransferase; minus strand). Cytogenetic location: 16p13.3.
Variant type: Deletion.
Coding change: c.4648_4660del on transcript NM_004380.3 (MANE Select); coding-DNA positions 4648 to 4660, 13 bases deleted (GAAGAGAGCATTA).
Protein change: p.Glu1550fs; shifts the reading frame from glutamic acid 1550.
Molecular consequence: frameshift variant.
Genome position (GRCh38, 1-based): chr16:3,736,104-3,736,116, TAATGCTCTCTTC deleted on the plus strand (GAAGAGAGCATTA on the coding strand, the reverse complement: CREBBP is on the minus strand); deleting any 13 consecutive bases within chr16:3,736,104-3,736,119 gives the same sequence; the c. name uses the placement nearest the transcript's 3' end. VCF-style (leftmost placement, unchanged base first): chr16-3736103-TTAATGCTCTCTTC-T. GRCh37 (hg19) VCF-style: chr16-3786104-TTAATGCTCTCTTC-T.
Other names: c.4534_4546del, p.Glu1512fs (NM_001079846.1); short protein forms E1512fs, E1550fs.
Identifiers: ClinVar variation 4294449 (VCV004294449.1).
Genomic context (GRCh38, chr16:3,736,103, plus strand): 5'-GTTTCACTGGCTGCAGTGCTCTCTTCCTTTTTCCTCTCCTCTTCTTCTTGTTCTAGTTCC[TTAATGCTCTCTTC>T]TAACACATTGGGCCAGAAATCACCTTCAAAATAGGGCAGTTCCTTGGCACTGGTGAGCCT-3'

ClinVar aggregate classification (germline): Likely pathogenic (1 of 4 stars; one submission).

Conditions:
Rubinstein-Taybi syndrome due to CREBBP mutations (RSTS1). Also called: RUBINSTEIN SYNDROME; RUBINSTEIN-TAYBI SYNDROME 1, INCOMPLETE; Rubinstein-Taybi syndrome 1; CREBBP-Related Rubinstein-Taybi Syndrome; BROAD THUMB-HALLUX SYNDROME; BROAD THUMBS AND GREAT TOES, CHARACTERISTIC FACIES, AND IMPAIRED INTELLECTUAL DEVELOPMENT. Identifiers: Orphanet 353277, Orphanet 783, MedGen C4551859, MONDO:0008393, OMIM 180849.

Submission:

Molecular Genetics Department, Kulakov National Medical Research Center for Obstetrics, Gynecology and Perinatology
Classification: Likely pathogenic for Rubinstein-Taybi syndrome due to CREBBP mutations. Review status: criteria provided, single submitter. Criteria: ACMG Guidelines, 2015. Collection method: clinical testing. Allele origin: de novo. Affected: yes. Observed: 1 variant allele.
Comment: A previously undescribed heterozygous nucleotide variant creates a frameshift p.Glu1550ArgfsTer3 in the CREBBP gene. Heterozygous variants are reported in patients including those with Rubinstein-Taybi syndrome 1, 180849. The variant is not present in population database (gnomAD no frequency). anger sequencing revealed that the variant arose de novo (parentage confirmed). In summary, the currently available evidence indicates that the variant is pathogenic, but additional data are needed to prove that conclusively. Therefore, this variant has been classified as likely pathogenic.